The following is an entry in ClinVar:

NM_000393.5(COL5A2):c.*391A>G

Gene: COL5A2 (collagen type V alpha 2 chain; minus strand). Cytogenetic location: 2q32.2.
Variant type: single nucleotide variant.
Coding change: c.*391A>G on transcript NM_000393.5 (MANE Select); 391 bases downstream of the stop codon, A replaced by G.
Molecular consequence: 3 prime UTR variant.
Genome position (GRCh38, 1-based): chr2:189,033,679, T>C on the plus strand (A>G on the coding strand, the complement: COL5A2 is on the minus strand). VCF-style: chr2-189033679-T-C. GRCh37 (hg19) VCF-style: chr2-189898405-T-C.
Identifiers: ClinVar variation 333125 (VCV000333125.6), dbSNP rs143552248, ClinGen allele CA10613488.

ClinVar aggregate classification (germline): Benign (1 of 4 stars; one submission).

Conditions:
Ehlers-Danlos syndrome, classic type, 2 (EDSCL2). Also called: Ehlers-Danlos syndrome, type 2; Ehlers-Danlos syndrome type 2 (formerly); Ehlers-Danlos Syndrome, Classic Type, COL5A2-Related. Identifiers: Orphanet 287, Orphanet 90318, MedGen C0268336, MONDO:0019568, OMIM 130010.

Allele frequency attached by ClinVar (database versions not stated): gnomAD 0.00486 and 0.00458; gnomAD exomes 0.00041; TOPMed 0.00484; 1000 Genomes Project 30x 0.00593; 1000 Genomes Project 0.00619.
gnomAD v4.1: 734 of 267,752 alleles (0.27%); highest among the groups gnomAD compares: African/African-American, 1.6%; 3 homozygotes.

Submission:

Illumina Laboratory Services, Illumina
Classification: Benign for Ehlers-Danlos syndrome, classic type, 2. Last evaluated: 2018-01-12. Review status: criteria provided, single submitter. Criteria: ICSL Variant Classification Criteria 13 December 2019. Collection method: clinical testing. Allele origin: germline.
Comment: This variant was observed in the ICSL laboratory as part of a predisposition screen in an ostensibly healthy population. It had not been previously curated by ICSL or reported in the Human Gene Mutation Database (HGMD: prior to June 1st, 2018), and was therefore a candidate for classification through an automated scoring system. Utilizing variant allele frequency, disease prevalence and penetrance estimates, and inheritance mode, an automated score was calculated to assess if this variant is too frequent to cause the disease. Based on the score and internal cut-off values, a variant classified as benign is not then subjected to further curation. The score for this variant resulted in a classification of benign for this disease.